The following is an entry in ClinVar:

ClinVar aggregate classification (germline): not provided (0 of 4 stars; one submission).

Conditions:
Normal pregnancy. Identifiers: MedGen C0232989.

Submission:

Institute of Molecular and Cell Biology, University of Tartu
No classification provided. Condition: Normal pregnancy. Review status: no classification provided. Collection method: case-control. Allele origin: unknown. Affected: yes. Study: Kasak2014.
Comment: The study aimed to determine the contribution of copy number variants in the genetic etiology of normal and complicated pregnancies. The samples represented (i) maternal blood DNA drawn from healthy pregnant women during 1st or 2nd trimester and (ii) maternal and paternal blood DNA drawn at term pregnancy cases representing normal and complicated gestations (severe preeclampsia, PE; gestational diabetes, GD; small-for-gestational age newborn, SGA; large-for-gestational age newborn, LGA). We performed CNV calling based on genome-wide genotyping dataset (Illumina HumanOmniExpress-24-v1 BeadChip) by applying three algorithms, QuantiSNP, GADA (Genome Alteration Detection Algorithm) and CNstream in parallel. The acquired CNV calls were merged with HD-CNV (Hotspot Detector for Copy Number Variants) program and only the CNVs predicted by at least two programs, were considered in subsequent analysis.

Literature cited by the submitters: PubMed 25666259.

NC_000001.11:g.231573658_231727458dup

Genes: DISC1 (DISC1 scaffold protein; plus strand), LINC00582 (long intergenic non-protein coding RNA 582; minus strand), TSNAX-DISC1 (TSNAX-DISC1 readthrough (NMD candidate); plus strand), LOC129388776 (MPRA-validated peak764 silencer; plus strand), LOC129388777 (MPRA-validated peak765 silencer; plus strand) and 3 more. Cytogenetic location: 1q42.2.
Variant type: Duplication.
Identifiers: ClinVar variation 156768 (VCV000156768.3).